The following is an entry in ClinVar:

ClinVar aggregate classification (germline): Conflicting classifications of pathogenicity. Review status: criteria provided, conflicting classifications (1 of 4 stars). 2 submissions from 2 submitters: Uncertain significance (1); Likely benign (1). Last evaluated 2024-05-28.

Allele frequency attached by ClinVar (database versions not stated): gnomAD 0.00002; TOPMed 0.00003; ExAC 0.00004.
gnomAD v4.1: 22 of 1,573,102 alleles (0.0014%); highest among the groups gnomAD compares: Admixed American, 0.0019%; no homozygotes.

Submissions (2):

Blueprint Genetics
Classification: Likely benign. Last evaluated: 2024-05-28. Review status: criteria provided, single submitter. Criteria: ACMG Guidelines, 2015. Collection method: clinical testing. Allele origin: germline.

Labcorp Genetics (formerly Invitae), Labcorp
Classification: Uncertain significance. Last evaluated: 2022-08-21. Review status: criteria provided, single submitter. Criteria: Invitae Variant Classification Sherloc (09022015). Collection method: clinical testing. Allele origin: germline.
Comment: This sequence change falls in intron 1 of the NDUFS7 gene. It does not directly change the encoded amino acid sequence of the NDUFS7 protein. It affects a nucleotide within the consensus splice site. The frequency data for this variant in the population databases is considered unreliable, as metrics indicate poor data quality at this position in the gnomAD database. This variant has not been reported in the literature in individuals affected with NDUFS7-related conditions. Variants that disrupt the consensus splice site are a relatively common cause of aberrant splicing (PMID: 17576681, 9536098). Algorithms developed to predict the effect of sequence changes on RNA splicing suggest that this variant is not likely to affect RNA splicing. In summary, the available evidence is currently insufficient to determine the role of this variant in disease. Therefore, it has been classified as a Variant of Uncertain Significance.

Literature cited by the submitters: PubMed 17576681 (cited by Labcorp Genetics (formerly Invitae), Labcorp); PubMed 9536098 (cited by Labcorp Genetics (formerly Invitae), Labcorp).

NM_024407.5(NDUFS7):c.16+6C>T

Gene: NDUFS7 (NADH:ubiquinone oxidoreductase core subunit S7; plus strand). Cytogenetic location: 19p13.3.
Variant type: single nucleotide variant.
Coding change: c.16+6C>T on transcript NM_024407.5 (MANE Select); 6 bases into the intron after coding-DNA position 16, C replaced by T.
Molecular consequence: intron variant.
Genome position (GRCh38, 1-based): chr19:1,383,948, C>T. VCF-style: chr19-1383948-C-T. GRCh37 (hg19) VCF-style: chr19-1383947-C-T.
Other names: c.16+6C>T (NM_001363602.2).
Identifiers: ClinVar variation 1904661 (VCV001904661.3), dbSNP rs776735273, ClinGen allele CA9042986.